The following is an entry in ClinVar:

ClinVar aggregate classification (germline): Benign. Review status: criteria provided, single submitter (1 of 4 stars). 3 submissions from 1 submitter: Benign (3). Last evaluated 2018-01-12.

Conditions:
Age related macular degeneration 5. Identifiers: MedGen C3151063, MONDO:0013409, OMIM 613761.
Cerebrooculofacioskeletal syndrome 1 (COFS1). Also called: Cerebro-oculo-facio-skeletal syndrome 1. Identifiers: MedGen C0220722, MONDO:0008955, OMIM 214150.
Cockayne syndrome type 2 (CSB). Also called: COCKAYNE SYNDROME B; Cockayne Syndrome, Type II. Identifiers: Orphanet 191, Orphanet 90322, MedGen C0751038, MONDO:0019570, OMIM 133540.

Allele frequency attached by ClinVar (database versions not stated): 1000 Genomes Project 30x 0.00703; 1000 Genomes Project 0.00719; gnomAD 0.00758 and 0.00812; TOPMed 0.00850.

Submissions (3):

Illumina Laboratory Services, Illumina
Classification: Benign for Cerebrooculofacioskeletal syndrome 1. Last evaluated: 2018-01-12. Review status: criteria provided, single submitter. Criteria: ICSL Variant Classification Criteria 13 December 2019. Collection method: clinical testing. Allele origin: germline.
Comment: This variant was observed in the ICSL laboratory as part of a predisposition screen in an ostensibly healthy population. It had not been previously curated by ICSL or reported in the Human Gene Mutation Database (HGMD: prior to June 1st, 2018), and was therefore a candidate for classification through an automated scoring system. Utilizing variant allele frequency, disease prevalence and penetrance estimates, and inheritance mode, an automated score was calculated to assess if this variant is too frequent to cause the disease. Based on the score and internal cut-off values, a variant classified as benign is not then subjected to further curation. The score for this variant resulted in a classification of benign for this disease.

Illumina Laboratory Services, Illumina
Classification: Benign for Age related macular degeneration 5. Last evaluated: 2018-01-12. Review status: criteria provided, single submitter. Criteria: ICSL Variant Classification Criteria 13 December 2019. Collection method: clinical testing. Allele origin: germline.
Comment: the same text as in the submission from Illumina Laboratory Services, Illumina above.

Illumina Laboratory Services, Illumina
Classification: Benign for Cockayne syndrome type 2. Last evaluated: 2018-01-12. Review status: criteria provided, single submitter. Criteria: ICSL Variant Classification Criteria 13 December 2019. Collection method: clinical testing. Allele origin: germline.
Comment: the same text as in the submission from Illumina Laboratory Services, Illumina above.

NM_000124.4(ERCC6):c.*3395A>C

Gene: ERCC6 (ERCC excision repair 6, chromatin remodeling factor; minus strand). Cytogenetic location: 10q11.23.
Variant type: single nucleotide variant.
Coding change: c.*3395A>C on transcript NM_000124.4 (MANE Select); 3395 bases downstream of the stop codon, A replaced by C.
Molecular consequence: 3 prime UTR variant.
Genome position (GRCh38, 1-based): chr10:49,455,420, T>G on the plus strand (A>C on the coding strand, the complement: ERCC6 is on the minus strand). VCF-style: chr10-49455420-T-G. GRCh37 (hg19) VCF-style: chr10-50663466-T-G.
Other names: c.*3395A>C (NM_001346440.2).
Identifiers: ClinVar variation 879446 (VCV000879446.4), dbSNP rs142122327, ClinGen allele CA206612465.